The following is an entry in ClinVar:

NM_001134831.2(AHI1):c.2155G>C (p.Asp719His)

Gene: AHI1 (Abelson helper integration site 1; minus strand). Cytogenetic location: 6q23.3.
Variant type: single nucleotide variant.
Coding change: c.2155G>C on transcript NM_001134831.2 (MANE Select); coding-DNA position 2155, G replaced by C.
Protein change: p.Asp719His; replaces aspartic acid 719 with histidine.
Molecular consequence: missense variant.
Genome position (GRCh38, 1-based): chr6:135,433,138, C>G on the plus strand (G>C on the coding strand, the complement: AHI1 is on the minus strand). VCF-style: chr6-135433138-C-G. GRCh37 (hg19) VCF-style: chr6-135754276-C-G.
Other names: c.2155G>C, p.Asp719His (NM_001134830.2, NM_001134832.2, NM_001350503.2 and 2 more transcripts); short protein forms D719H.
Identifiers: ClinVar variation 2694048 (VCV002694048.3), dbSNP rs2484604421, ClinGen allele CA365743594.

ClinVar aggregate classification (germline): Likely pathogenic (1 of 4 stars; one submission).

Conditions:
Joubert syndrome. Also called: CEREBELLOPARENCHYMAL DISORDER IV; JOUBERT-BOLTSHAUSER SYNDROME; Familial aplasia of the vermis. Identifiers: Orphanet 475, MedGen C5979921, MONDO:0018772.

Submission:

Labcorp Genetics (formerly Invitae), Labcorp
Classification: Likely pathogenic for Joubert syndrome. Last evaluated: 2023-11-07. Review status: criteria provided, single submitter. Criteria: Invitae Variant Classification Sherloc (09022015). Collection method: clinical testing. Allele origin: germline.
Comment: This sequence change replaces aspartic acid, which is acidic and polar, with histidine, which is basic and polar, at codon 719 of the AHI1 protein (p.Asp719His). This variant is not present in population databases (gnomAD no frequency). This variant has not been reported in the literature in individuals affected with AHI1-related conditions. Advanced modeling of protein sequence and biophysical properties (such as structural, functional, and spatial information, amino acid conservation, physicochemical variation, residue mobility, and thermodynamic stability) performed at Invitae indicates that this missense variant is expected to disrupt AHI1 protein function with a positive predictive value of 95%. This variant disrupts the p.Asp719 amino acid residue in AHI1. Other variant(s) that disrupt this residue have been determined to be pathogenic (PMID: 16155189). This suggests that this residue is clinically significant, and that variants that disrupt this residue are likely to be disease-causing. In summary, the currently available evidence indicates that the variant is pathogenic, but additional data are needed to prove that conclusively. Therefore, this variant has been classified as Likely Pathogenic.

Literature cited by the submitters: PubMed 16155189.